The following is an entry in ClinVar:

ClinVar aggregate classification (germline): Uncertain significance (1 of 4 stars; one submission).

Allele frequency attached by ClinVar (database versions not stated): gnomAD exomes below 0.00001; TOPMed below 0.00001; ExAC 0.00002.
gnomAD v4.1: 1 of 1,604,642 alleles (0.000062%); highest among the groups gnomAD compares: East Asian, 0.0022%; no homozygotes.

Submission:

Labcorp Genetics (formerly Invitae), Labcorp
Classification: Uncertain significance. Last evaluated: 2024-02-03. Review status: criteria provided, single submitter. Criteria: Invitae Variant Classification Sherloc (09022015). Collection method: clinical testing. Allele origin: germline.
Comment: This sequence change replaces histidine, which is basic and polar, with glutamine, which is neutral and polar, at codon 1045 of the ERBB2 protein (p.His1045Gln). This variant is present in population databases (rs756551038, gnomAD 0.02%). This variant has not been reported in the literature in individuals affected with ERBB2-related conditions. An algorithm developed to predict the effect of missense changes on protein structure and function (PolyPhen-2) suggests that this variant is likely to be tolerated. In summary, the available evidence is currently insufficient to determine the role of this variant in disease. Therefore, it has been classified as a Variant of Uncertain Significance.

NM_004448.4(ERBB2):c.3135C>G (p.His1045Gln)

Gene: ERBB2 (erb-b2 receptor tyrosine kinase 2; plus strand). Cytogenetic location: 17q12.
Variant type: single nucleotide variant.
Coding change: c.3135C>G on transcript NM_004448.4 (MANE Select); coding-DNA position 3135, C replaced by G.
Protein change: p.His1045Gln; replaces histidine 1045 with glutamine.
Molecular consequence: missense variant. On other transcripts: non-coding transcript variant (1), intron variant (2).
Genome position (GRCh38, 1-based): chr17:39,726,979, C>G. VCF-style: chr17-39726979-C-G. GRCh37 (hg19) VCF-style: chr17-37883232-C-G.
Other names: c.3045C>G, p.His1015Gln (NM_001005862.3, NM_001382782.1, NM_001382783.1); c.3090C>G, p.His1030Gln (NM_001289936.2); c.3135C>G, p.His1045Gln (NM_001289937.2); c.3252C>G, p.His1084Gln (NM_001382784.1); c.3237C>G, p.His1079Gln (NM_001382785.1); c.3216C>G, p.His1072Gln (NM_001382786.1); c.3210C>G, p.His1070Gln (NM_001382787.1); c.3165C>G, p.His1055Gln (NM_001382788.1); and 16 more; short protein forms H1012Q, H1015Q, H1033Q, H1044Q, H1072Q, H1084Q, H977Q, H993Q.
Identifiers: ClinVar variation 2997684 (VCV002997684.3), dbSNP rs756551038, ClinGen allele CA8534466.